The following is an entry in ClinVar:

ClinVar aggregate classification (germline): Pathogenic (1 of 4 stars; one submission).

Submission:

Labcorp Genetics (formerly Invitae), Labcorp
Classification: Pathogenic. Last evaluated: 2022-04-07. Review status: criteria provided, single submitter. Criteria: Invitae Variant Classification Sherloc (09022015). Collection method: clinical testing. Allele origin: germline.
Comment: For these reasons, this variant has been classified as Pathogenic. This variant has not been reported in the literature in individuals affected with SPTA1-related conditions. This variant is not present in population databases (gnomAD no frequency). This sequence change creates a premature translational stop signal (p.Glu974Argfs*25) in the SPTA1 gene. It is expected to result in an absent or disrupted protein product. Loss-of-function variants in SPTA1 are known to be pathogenic (PMID: 9192783, 18815189, 31333484, 31723846, 32266426).

Literature cited by the submitters: PubMed 9192783; PubMed 18815189; PubMed 31333484; PubMed 31723846; PubMed 32266426.

NM_003126.4(SPTA1):c.2920del (p.Glu974fs)

Gene: SPTA1 (spectrin alpha, erythrocytic 1; minus strand). Cytogenetic location: 1q23.1.
Variant type: Deletion.
Coding change: c.2920del on transcript NM_003126.4 (MANE Select); coding-DNA position 2920, one base deleted (G; older notation c.2920delG).
Protein change: p.Glu974fs; shifts the reading frame from glutamic acid 974.
Molecular consequence: frameshift variant.
Genome position (GRCh38, 1-based): chr1:158,654,727, C deleted on the plus strand (G on the coding strand, the reverse complement: SPTA1 is on the minus strand); the first of 2 consecutive C bases (chr1:158,654,727-158,654,728); deleting either gives the same sequence. VCF-style (leftmost placement, unchanged base first): chr1-158654726-TC-T. GRCh37 (hg19) VCF-style: chr1-158624516-TC-T.
Other names: short protein forms E974fs.
Identifiers: ClinVar variation 2071594 (VCV002071594.4), dbSNP rs2525134307, ClinGen allele CA2580061239.